The following is an entry in ClinVar:

ClinVar aggregate classification (germline): Uncertain significance. Review status: criteria provided, multiple submitters, no conflicts (2 of 4 stars). 2 submissions from 2 submitters: Uncertain significance (2). Last evaluated 2022-07-19.

Allele frequency attached by ClinVar (database versions not stated): gnomAD exomes 0.00001.
gnomAD v4.1: 4 of 1,599,626 alleles (0.00025%); highest among the groups gnomAD compares: Non-Finnish European, 0.00034%; no homozygotes.

Submissions (2):

Labcorp Genetics (formerly Invitae), Labcorp
Classification: Uncertain significance. Last evaluated: 2022-07-19. Review status: criteria provided, single submitter. Criteria: Invitae Variant Classification Sherloc (09022015). Collection method: clinical testing. Allele origin: germline.
Comment: This variant is not present in population databases (gnomAD no frequency). In summary, the available evidence is currently insufficient to determine the role of this variant in disease. Therefore, it has been classified as a Variant of Uncertain Significance. Advanced modeling of protein sequence and biophysical properties (such as structural, functional, and spatial information, amino acid conservation, physicochemical variation, residue mobility, and thermodynamic stability) performed at Invitae indicates that this missense variant is expected to disrupt PNPT1 protein function. ClinVar contains an entry for this variant (Variation ID: 1315904). This variant has not been reported in the literature in individuals affected with PNPT1-related conditions. This sequence change replaces tyrosine, which is neutral and polar, with histidine, which is basic and polar, at codon 356 of the PNPT1 protein (p.Tyr356His).

GeneDx
Classification: Uncertain significance. Last evaluated: 2021-03-09. Review status: criteria provided, single submitter. Criteria: GeneDx Variant Classification Process June 2021. Collection method: clinical testing. Allele origin: germline. Affected: yes.
Comment: Has not been previously published as pathogenic or benign to our knowledge; In silico analysis supports that this missense variant does not alter protein structure/function; Not observed in large population cohorts (Lek et al., 2016)

NM_033109.5(PNPT1):c.1066T>C (p.Tyr356His)

Gene: PNPT1 (polyribonucleotide nucleotidyltransferase 1; minus strand). Cytogenetic location: 2p16.1.
Variant type: single nucleotide variant.
Coding change: c.1066T>C on transcript NM_033109.5 (MANE Select); coding-DNA position 1066, T replaced by C.
Protein change: p.Tyr356His; replaces tyrosine 356 with histidine.
Molecular consequence: missense variant.
Genome position (GRCh38, 1-based): chr2:55,667,869, A>G on the plus strand (T>C on the coding strand, the complement: PNPT1 is on the minus strand). VCF-style: chr2-55667869-A-G. GRCh37 (hg19) VCF-style: chr2-55895004-A-G.
Other names: short protein forms Y356H.
Identifiers: ClinVar variation 1315904 (VCV001315904.4), dbSNP rs2104109848, ClinGen allele CA346928985.